The following is an entry in ClinVar:

NM_000292.3(PHKA2):c.1042-12G>C

Gene: PHKA2 (phosphorylase kinase regulatory subunit alpha 2; minus strand). Cytogenetic location: Xp22.13.
Variant type: single nucleotide variant.
Coding change: c.1042-12G>C on transcript NM_000292.3 (MANE Select); 12 bases into the intron before coding-DNA position 1042, G replaced by C.
Molecular consequence: intron variant.
Genome position (GRCh38, 1-based): chrX:18,936,162, C>G on the plus strand (G>C on the coding strand, the complement: PHKA2 is on the minus strand). VCF-style: chrX-18936162-C-G. GRCh37 (hg19) VCF-style: chrX-18954280-C-G.
Identifiers: ClinVar variation 666910 (VCV000666910.4), dbSNP rs747884026, ClinGen allele CA10361988.
Genomic context (GRCh38, chrX:18,936,162, plus strand): 5'-TCTTGCCTCTGATGAGTATTCCCTCCAGGGCCTCTCGGTATTCTTGGACCTGGAAAACAG[C>G]CCCATCATCCATGGCAGGAAGGAGGTCTGGTCATGATTGCTGTAACAGCGGTGCAACATA-3'

ClinVar aggregate classification (germline): Uncertain significance (1 of 4 stars; one submission).

Allele frequency attached by ClinVar (database versions not stated): TOPMed 0.00001 and 0.00002; gnomAD exomes 0.00002; ExAC 0.00002; gnomAD 0.00005.
gnomAD v4.1: 22 of 1,112,173 alleles (0.002%); highest among the groups gnomAD compares: Non-Finnish European, 0.0027%; no homozygotes.

Submission:

Laboratory for Molecular Medicine, Mass General Brigham Personalized Medicine
Classification: Uncertain significance. Last evaluated: 2018-12-16. Review status: criteria provided, single submitter. Criteria: LMM Criteria. Collection method: clinical testing. Allele origin: germline. Observed: 2 variant alleles.
Comment: The c.1042-12G>C variant in PHKA2 has not been previously reported in individual s with glycogen storage disease type IXa but has been identified in 0.0048% (4/4 8165) of European chromosomes by gnomAD, including 1 hemizygous male. This variant is located in the 3' splice region. Comput ational tools do not predict a splicing impact, though this information is not p redictive enough to rule out pathogenicity. In summary, the clinical significanc e of the c.1042-12G>C variant is uncertain. ACMG/AMP Criteria applied: BS1_Suppo rting.